The following is an entry in ClinVar:

ClinVar aggregate classification (germline): Uncertain significance (1 of 4 stars; one submission).

Conditions:
Tumor predisposition syndrome 3 (TPDS3). Also called: Melanoma, cutaneous malignant, susceptibility to, 10; Glioma susceptibility 9; LONG TELOMERE SYNDROME, POT1-RELATED; POT1 Tumor Predisposition. Identifiers: Orphanet 618, MedGen C4014476, MONDO:0014368, OMIM 615848.

Submission:

Labcorp Genetics (formerly Invitae), Labcorp
Classification: Uncertain significance for Tumor predisposition syndrome 3. Last evaluated: 2025-09-14. Review status: criteria provided, single submitter. Criteria: Invitae Variant Classification Sherloc (09022015). Collection method: clinical testing. Allele origin: germline.
Comment: This sequence change falls in intron 5 of the POT1 gene. It does not directly change the encoded amino acid sequence of the POT1 protein. This variant is not present in population databases (gnomAD no frequency). This variant has not been reported in the literature in individuals affected with POT1-related conditions. Experimental studies and prediction algorithms are not available or were not evaluated, and the effect of this variant on mRNA splicing is currently unknown. In summary, the available evidence is currently insufficient to determine the role of this variant in disease. Therefore, it has been classified as a Variant of Uncertain Significance.

NM_015450.3(POT1):c.10-21_10-5del

Gene: POT1 (protection of telomeres 1; minus strand). Cytogenetic location: 7q31.33.
Variant type: Deletion.
Coding change: c.10-21_10-5del on transcript NM_015450.3 (MANE Select); 21 bases into the intron before coding-DNA position 10 through 5 bases into the intron before coding-DNA position 10, 17 bases deleted (CACTGTCTTCTCTTTCT).
Molecular consequence: intron variant.
Genome position (GRCh38, 1-based): chr7:124,892,385-124,892,401, AGAAAGAGAAGACAGTG deleted on the plus strand (CACTGTCTTCTCTTTCT on the coding strand, the reverse complement: POT1 is on the minus strand); deleting any 17 consecutive bases within chr7:124,892,385-124,892,402 gives the same sequence; the c. name uses the placement nearest the transcript's 3' end. VCF-style (leftmost placement, unchanged base first): chr7-124892384-AAGAAAGAGAAGACAGTG-A. GRCh37 (hg19) VCF-style: chr7-124532438-AAGAAAGAGAAGACAGTG-A.
Other names: c.-253-21_-253-5del (NM_001042594.2).
Identifiers: ClinVar variation 4726906 (VCV004726906.1).